The following is an entry in ClinVar:

NM_001042492.3(NF1):c.1376C>A (p.Ala459Glu)

Gene: NF1 (neurofibromin 1; plus strand). Cytogenetic location: 17q11.2.
Variant type: single nucleotide variant.
Coding change: c.1376C>A on transcript NM_001042492.3 (MANE Select); coding-DNA position 1376, C replaced by A.
Protein change: p.Ala459Glu; replaces alanine 459 with glutamic acid.
Molecular consequence: missense variant.
Genome position (GRCh38, 1-based): chr17:31,206,355, C>A. VCF-style: chr17-31206355-C-A. GRCh37 (hg19) VCF-style: chr17-29533373-C-A.
Other names: c.1376C>A, p.Ala459Glu (NM_000267.4, NM_001128147.3); short protein forms A459E.
Identifiers: ClinVar variation 428944 (VCV000428944.11), dbSNP rs1131691070, ClinGen allele CA398999818.

ClinVar aggregate classification (germline): Uncertain significance. Review status: criteria provided, multiple submitters, no conflicts (2 of 4 stars). 3 submissions from 3 submitters: Uncertain significance (3). Last evaluated 2025-01-19.

Conditions:
Hereditary cancer-predisposing syndrome. Also called: Hereditary neoplastic syndrome; Tumor predisposition; Neoplastic Syndromes, Hereditary; Hereditary Cancer Syndrome. Identifiers: Orphanet 140162, MedGen C0027672, MeSH D009386, MONDO:0015356.
Neurofibromatosis, type 1 (NF1). Also called: Neurofibromatosis, type I; NEUROFIBROMATOSIS, TYPE I, SOMATIC; Peripheral type neurofibromatosis; VON RECKLINGHAUSEN DISEASE. Identifiers: Orphanet 636, MedGen C0027831, MONDO:0018975, OMIM 162200. Disease mechanism: loss of function.

Submissions (3):

Labcorp Genetics (formerly Invitae), Labcorp
Classification: Uncertain significance for Neurofibromatosis, type 1. Last evaluated: 2025-01-19. Review status: criteria provided, single submitter. Criteria: Invitae Variant Classification Sherloc (09022015). Collection method: clinical testing. Allele origin: germline.
Comment: This sequence change replaces alanine, which is neutral and non-polar, with glutamic acid, which is acidic and polar, at codon 459 of the NF1 protein (p.Ala459Glu). This variant is not present in population databases (gnomAD no frequency). This variant has not been reported in the literature in individuals affected with NF1-related conditions. ClinVar contains an entry for this variant (Variation ID: 428944). Invitae Evidence Modeling of protein sequence and biophysical properties (such as structural, functional, and spatial information, amino acid conservation, physicochemical variation, residue mobility, and thermodynamic stability) indicates that this missense variant is not expected to disrupt NF1 protein function with a negative predictive value of 95%. In summary, the available evidence is currently insufficient to determine the role of this variant in disease. Therefore, it has been classified as a Variant of Uncertain Significance.

Genome-Nilou Lab
Classification: Uncertain significance for Neurofibromatosis, type 1. Last evaluated: 2022-03-15. Review status: criteria provided, single submitter. Criteria: ACMG Guidelines, 2015. Collection method: clinical testing. Allele origin: germline. Affected: no.

Ambry Genetics
Classification: Uncertain significance for Hereditary cancer-predisposing syndrome. Last evaluated: 2014-03-17. Review status: criteria provided, single submitter. Criteria: Ambry Autosomal Dominant and X-Linked criteria (10/2015). Collection method: clinical testing. Allele origin: germline. Observed: 1 variant allele.
Comment: The p.A459E variant (also known as c.1376C>A), located in coding exon 12 of the NF1 gene, results from a C to A substitution at nucleotide position 1376. The alanine at codon 459 is replaced by glutamic acid, an amino acid with dissimilar properties. This variant was not reported in population based cohorts in the following databases: Database of Single Nucleotide Polymorphisms (dbSNP), NHLBI Exome Sequencing Project (ESP), and 1000 Genomes Project. This amino acid position is moderately conserved in available vertebrate species. In addition, the in silico prediction for this alteration is inconclusive.Since supporting evidence is limited at this time, the clinical significance of this variant remains unclear.